The following is an entry in ClinVar:

NM_000256.3(MYBPC3):c.453del (p.Asp151fs)

Gene: MYBPC3 (myosin binding protein C3; minus strand). Cytogenetic location: 11p11.2.
Variant type: Deletion.
Coding change: c.453del on transcript NM_000256.3 (MANE Select); coding-DNA position 453, one base deleted (T; older notation c.453delT).
Protein change: p.Asp151fs; shifts the reading frame from aspartic acid 151.
Molecular consequence: frameshift variant.
Genome position (GRCh38, 1-based): chr11:47,350,066, A deleted on the plus strand (T on the coding strand, the reverse complement: MYBPC3 is on the minus strand). VCF-style (leftmost placement, unchanged base first): chr11-47350065-CA-C. GRCh37 (hg19) VCF-style: chr11-47371616-CA-C.
Other names: D151EfsX8; c.453del, p.Asp151fs (LRG_386t1); c.453delT (NM_000256.3); short protein forms D151fs.
Identifiers: ClinVar variation 181107 (VCV000181107.8), dbSNP rs730880679, ClinGen allele CA015140.

ClinVar aggregate classification (germline): Pathogenic. Review status: criteria provided, multiple submitters, no conflicts (2 of 4 stars). 2 submissions from 2 submitters: Pathogenic (2). Last evaluated 2021-09-17.

Conditions:
Hypertrophic cardiomyopathy. Also called: HYPERTROPHIC MYOCARDIOPATHY. Identifiers: Orphanet 217569, MedGen C0007194, MeSH D002312, MONDO:0005045, HP:0001639.

Submissions (2):

Labcorp Genetics (formerly Invitae), Labcorp
Classification: Pathogenic for Hypertrophic cardiomyopathy. Last evaluated: 2021-09-17. Review status: criteria provided, single submitter. Criteria: Invitae Variant Classification Sherloc (09022015). Collection method: clinical testing. Allele origin: germline.
Comment: For these reasons, this variant has been classified as Pathogenic. This variant has not been reported in the literature in individuals with MYBPC3-related conditions. ClinVar contains an entry for this variant (Variation ID: 181107). This variant is not present in population databases (ExAC no frequency). This sequence change creates a premature translational stop signal (p.Asp151Glufs*8) in the MYBPC3 gene. It is expected to result in an absent or disrupted protein product. Loss-of-function variants in MYBPC3 are known to be pathogenic (PMID: 19574547).

GeneDx
Classification: Pathogenic. Last evaluated: 2013-05-10. Review status: criteria provided, single submitter. Criteria: GeneDx Variant Classification (06012015). Collection method: clinical testing. Allele origin: germline. Affected: yes.
Comment: The c.453delT mutation in the MYBPC3 gene has not been reported to our knowledge. This mutation was not observed in approximately 6,000 individuals of European and African American ancestry in the NHLBI Exome Sequencing Project, indicating it is not a common benign variant in these populations. The c.453delT mutation causes a shift in reading frame starting at codon Aspartic acid 151, changing it to a Glutamic acid, and creating a premature stop codon at position 8 of the new reading frame, denoted p.Asp151GlufsX8. This mutation is expected to result in either an abnormal, truncated protein product or loss of protein from this allele through nonsense-mediated mRNA decay. Other frameshift mutations in the MYBPC3 gene have been reported in association with HCM. In summary, c.453delT in the MYBPC3 gene is interpreted as a disease-causing mutation.

Literature cited by the submitters: PubMed 19574547 (cited by Labcorp Genetics (formerly Invitae), Labcorp).